The following is an entry in ClinVar:

ClinVar aggregate classification (germline): Likely pathogenic (0 of 4 stars; one submission).

Conditions:
CFAP53-related disorder. Also called: CFAP53-related condition.

Submission:

PreventionGenetics, part of Exact Sciences
Classification: Likely pathogenic for CFAP53-related condition. Last evaluated: 2024-05-06. Review status: no assertion criteria provided. Collection method: clinical testing. Allele origin: germline.
Comment: The CFAP53 c.286delG variant is predicted to result in a frameshift and premature protein termination (p.Glu96Lysfs*10). To our knowledge, this variant has not been reported in the literature or in a large population database, indicating this variant is rare. Frameshift variants in CFAP53 are expected to be pathogenic. This variant is interpreted as likely pathogenic.

NM_145020.5(CFAP53):c.286del (p.Glu96fs)

Gene: CFAP53 (cilia and flagella associated protein 53; minus strand). Cytogenetic location: 18q21.1.
Variant type: Deletion.
Coding change: c.286del on transcript NM_145020.5 (MANE Select); coding-DNA position 286, one base deleted (G; older notation c.286delG).
Protein change: p.Glu96fs; shifts the reading frame from glutamic acid 96.
Molecular consequence: frameshift variant.
Genome position (GRCh38, 1-based): chr18:50,262,003, C deleted on the plus strand (G on the coding strand, the reverse complement: CFAP53 is on the minus strand). VCF-style (leftmost placement, unchanged base first): chr18-50262002-TC-T. GRCh37 (hg19) VCF-style: chr18-47788372-TC-T.
Other names: short protein forms E96fs.
Identifiers: ClinVar variation 3346932 (VCV003346932.1).
Genomic context (GRCh38, chr18:50,262,002, plus strand): 5'-GGTTTTAGGAATATTTCATGGTTTATGTCCCAGGTTTGTGAGCCTTACTTATTTCGTCTT[TC>T]TTCAATGTTAATGATAAACCCTTGCACAGCATCCTTGATTCTTGCTCGCACAAGGCTGTC-3'